The following is an entry in ClinVar:

NM_030665.4(RAI1):c.4310C>T (p.Pro1437Leu)

Gene: RAI1 (retinoic acid induced 1; plus strand). Cytogenetic location: 17p11.2.
Variant type: single nucleotide variant.
Coding change: c.4310C>T on transcript NM_030665.4 (MANE Select); coding-DNA position 4310, C replaced by T.
Protein change: p.Pro1437Leu; replaces proline 1437 with leucine.
Molecular consequence: missense variant.
Genome position (GRCh38, 1-based): chr17:17,797,258, C>T. VCF-style: chr17-17797258-C-T. GRCh37 (hg19) VCF-style: chr17-17700572-C-T.
Other names: short protein forms P1437L.
Identifiers: ClinVar variation 1702809 (VCV001702809.8), dbSNP rs1453585230, ClinGen allele CA398556357.

ClinVar aggregate classification (germline): Conflicting classifications of pathogenicity. Review status: criteria provided, conflicting classifications (1 of 4 stars). 3 submissions from 3 submitters: Uncertain significance (2); Benign (1). Last evaluated 2025-05-14.

Conditions:
Inborn genetic diseases. Identifiers: MedGen C0950123, MeSH D030342.

Allele frequency attached by ClinVar (database versions not stated): gnomAD exomes below 0.00001; TOPMed 0.00002.
gnomAD v4.1: 2 of 1,613,232 alleles (0.00012%); highest among the groups gnomAD compares: African/African-American, 0.0027%; no homozygotes.

Submissions (3):

Labcorp Genetics (formerly Invitae), Labcorp
Classification: Benign. Last evaluated: 2025-05-14. Review status: criteria provided, single submitter. Criteria: Invitae Variant Classification Sherloc (09022015). Collection method: clinical testing. Allele origin: germline.

Ambry Genetics
Classification: Uncertain significance for Inborn genetic diseases. Last evaluated: 2025-04-14. Review status: criteria provided, single submitter. Criteria: Ambry Variant Classification Scheme 2023. Collection method: clinical testing. Allele origin: germline.

GeneDx
Classification: Uncertain significance. Last evaluated: 2022-02-16. Review status: criteria provided, single submitter. Criteria: GeneDx Variant Classification Process June 2021. Collection method: clinical testing. Allele origin: germline. Affected: yes.
Comment: Not observed at significant frequency in large population cohorts (gnomAD); In silico analysis supports that this missense variant does not alter protein structure/function; Has not been previously published as pathogenic or benign to our knowledge